The following is an entry in ClinVar:

NM_001256715.2(DNAAF3):c.1248G>A (p.Val416=)

Genes: DNAAF3 (dynein axonemal assembly factor 3; minus strand), DNAAF3-AS1 (DNAAF3 antisense RNA 1; plus strand), TNNI3 (troponin I3, cardiac type; minus strand). Cytogenetic location: 19q13.42.
Variant type: single nucleotide variant.
Coding change: c.1248G>A on transcript NM_001256715.2 (MANE Select); coding-DNA position 1248, G replaced by A.
Protein change: p.Val416=; no amino-acid change (valine 416 retained).
Molecular consequence: synonymous variant.
Genome position (GRCh38, 1-based): chr19:55,159,440, C>T on the plus strand (G>A on the coding strand, the complement: DNAAF3 is on the minus strand). VCF-style: chr19-55159440-C-T. GRCh37 (hg19) VCF-style: chr19-55670808-C-T.
Other names: c.1449G>A, p.Val483= (NM_001256714.1); c.1086G>A, p.Val362= (NM_001256716.2); c.1389G>A, p.Val463= (NM_178837.4).
Identifiers: ClinVar variation 257685 (VCV000257685.22), dbSNP rs111250144, ClinGen allele CA9667818.
Genomic context (GRCh38, chr19:55,159,440, plus strand): 5'-TGCCTGAGCTAGCTCCCTGACCCGGGTGTTGAATCCCTGCAGCTGCTCCTGCCGCACGTC[C>T]ACCAGGTACCTGCAGATGGGAAGCGCCCTGTCAGGGACCCAGATTTTGATCCCCAGCCAG-3'
Protein context (NP_001243644.1, residues 406-426): NLIVELARYL[Val416=]DVRQEQLQGF

ClinVar aggregate classification (germline): Conflicting classifications of pathogenicity. Review status: criteria provided, conflicting classifications (1 of 4 stars). 8 submissions from 5 submitters: Uncertain significance (1); Benign (4); Likely benign (3). Last evaluated 2026-01-26.

Conditions:
Familial Hypertrophic Cardiomyopathy with Wolff-Parkinson-White Syndrome. Identifiers: MedGen CN239247.
Primary ciliary dyskinesia. Also called: Ciliary dyskinesia. Identifiers: Orphanet 244, MedGen C0008780, MONDO:0016575, HP:0012265.
Hypertrophic cardiomyopathy 7. Also called: TNNI3-Related Familial Hypertrophic Cardiomyopathy; Familial hypertrophic cardiomyopathy 7; CARDIOMYOPATHY, FAMILIAL HYPERTROPHIC, 7, MODIFIER OF. Identifiers: MedGen C1860752, MONDO:0013369, OMIM 613690.
Cardiomyopathy, familial restrictive, 1. Identifiers: Orphanet 75249, MedGen C1861861, MONDO:0007270, OMIM 115210.
Dilated cardiomyopathy 2A (CMD2A). Also called: CARDIOMYOPATHY, CONGESTIVE, AUTOSOMAL RECESSIVE; CARDIOMYOPATHY, DILATED, AUTOSOMAL RECESSIVE. Identifiers: Orphanet 154, MedGen C2678474, MONDO:0012746, OMIM 611880.

Allele frequency attached by ClinVar (database versions not stated): gnomAD exomes 0.00095 and 0.00040; 1000 Genomes Project 0.00280; gnomAD 0.00398 and 0.00374; ESP Exome Variant Server 0.00407; TOPMed 0.00411; ExAC 0.00115; 1000 Genomes Project 30x 0.00344.
gnomAD v4.1: 1,168 of 1,613,806 alleles (0.072%); highest among the groups gnomAD compares: African/African-American, 1.4%; 7 homozygotes.

Submissions (8):

Labcorp Genetics (formerly Invitae), Labcorp
Classification: Benign for Primary ciliary dyskinesia. Last evaluated: 2026-01-26. Review status: criteria provided, single submitter. Criteria: Invitae Variant Classification Sherloc (09022015). Collection method: clinical testing. Allele origin: germline.

GeneDx
Classification: Benign. Last evaluated: 2021-03-01. Review status: criteria provided, single submitter. Criteria: GeneDx Variant Classification Process June 2021. Collection method: clinical testing. Allele origin: germline. Affected: yes.

Illumina Laboratory Services, Illumina
Classification: Likely benign for Hypertrophic cardiomyopathy 7. Last evaluated: 2018-01-13. Review status: criteria provided, single submitter. Criteria: ICSL Variant Classification Criteria 13 December 2019. Collection method: clinical testing. Allele origin: germline.
Comment: This variant was observed in the ICSL laboratory as part of a predisposition screen in an ostensibly healthy population. It had not been previously curated by ICSL or reported in the Human Gene Mutation Database (HGMD: prior to June 1st, 2018), and was therefore a candidate for classification through an automated scoring system. Utilizing variant allele frequency, disease prevalence and penetrance estimates, and inheritance mode, an automated score was calculated to assess if this variant is too frequent to cause the disease. Based on the score and internal cut-off values, a variant classified as likely benign is not then subjected to further curation. The score for this variant resulted in a classification of likely benign for this disease.

Illumina Laboratory Services, Illumina
Classification: Likely benign for Familial Hypertrophic Cardiomyopathy with Wolff-Parkinson-White Syndrome. Last evaluated: 2018-01-13. Review status: criteria provided, single submitter. Criteria: ICSL Variant Classification Criteria 13 December 2019. Collection method: clinical testing. Allele origin: germline.
Comment: the same text as in the submission from Illumina Laboratory Services, Illumina above.

Illumina Laboratory Services, Illumina
Classification: Likely benign for Cardiomyopathy, familial restrictive, 1. Last evaluated: 2018-01-13. Review status: criteria provided, single submitter. Criteria: ICSL Variant Classification Criteria 13 December 2019. Collection method: clinical testing. Allele origin: germline.
Comment: the same text as in the submission from Illumina Laboratory Services, Illumina above.

Illumina Laboratory Services, Illumina
Classification: Uncertain significance for Dilated cardiomyopathy 2A. Last evaluated: 2018-01-13. Review status: criteria provided, single submitter. Criteria: ICSL Variant Classification Criteria 13 December 2019. Collection method: clinical testing. Allele origin: germline.

Ambry Genetics
Classification: Benign for Primary ciliary dyskinesia. Last evaluated: 2016-12-22. Review status: criteria provided, single submitter. Criteria: Ambry Variant Classification Scheme 2023. Collection method: clinical testing. Allele origin: germline.

PreventionGenetics, part of Exact Sciences
Classification: Benign. Review status: criteria provided, single submitter. Criteria: ACMG Guidelines, 2015. Collection method: clinical testing. Allele origin: germline.